The following is an entry in ClinVar:

ClinVar aggregate classification (germline): Uncertain significance (1 of 4 stars; one submission).

Allele frequency attached by ClinVar (database versions not stated): gnomAD exomes 0.00001.
gnomAD v4.1: 3 of 1,608,602 alleles (0.00019%); highest among the groups gnomAD compares: Admixed American, 0.0051%; no homozygotes.

Submission:

Labcorp Genetics (formerly Invitae), Labcorp
Classification: Uncertain significance. Last evaluated: 2022-10-13. Review status: criteria provided, single submitter. Criteria: Invitae Variant Classification Sherloc (09022015). Collection method: clinical testing. Allele origin: germline.
Comment: This variant is present in population databases (no rsID available, gnomAD 0.009%). In summary, the available evidence is currently insufficient to determine the role of this variant in disease. Therefore, it has been classified as a Variant of Uncertain Significance. Algorithms developed to predict the effect of missense changes on protein structure and function are either unavailable or do not agree on the potential impact of this missense change (SIFT: "Deleterious"; PolyPhen-2: "Benign"; Align-GVGD: "Class C0"). ClinVar contains an entry for this variant (Variation ID: 1401503). This variant has not been reported in the literature in individuals affected with AHR-related conditions. This sequence change replaces glycine, which is neutral and non-polar, with glutamic acid, which is acidic and polar, at codon 187 of the AHR protein (p.Gly187Glu).

NM_001621.5(AHR):c.560G>A (p.Gly187Glu)

Gene: AHR (aryl hydrocarbon receptor; plus strand). Cytogenetic location: 7p21.1.
Variant type: single nucleotide variant.
Coding change: c.560G>A on transcript NM_001621.5 (MANE Select); coding-DNA position 560, G replaced by A.
Protein change: p.Gly187Glu; replaces glycine 187 with glutamic acid.
Molecular consequence: missense variant.
Genome position (GRCh38, 1-based): chr7:17,330,061, G>A. VCF-style: chr7-17330061-G-A. GRCh37 (hg19) VCF-style: chr7-17369685-G-A.
Other names: short protein forms G187E.
Identifiers: ClinVar variation 1401503 (VCV001401503.6), dbSNP rs1276194898, ClinGen allele CA366891581.
Genomic context (GRCh38, chr7:17,330,061, plus strand): 5'-GAGCTGAATTTCAGCGTCAGCTACACTGGGCATTAAATCCTTCTCAGTGTACAGAGTCTG[G>A]ACAAGGAATTGAAGGTAAGAATTGATGGTACAAAAAATAGTGTTGGTAGTTTTTAAATAT-3'
Protein context (NP_001612.1, residues 177-197): ALNPSQCTES[Gly187Glu]QGIEEATGLP